The following is an entry in ClinVar:

NM_016333.4(SRRM2):c.2681C>T (p.Ser894Phe)

Gene: SRRM2 (serine/arginine repetitive matrix 2; plus strand). Cytogenetic location: 16p13.3.
Variant type: single nucleotide variant.
Coding change: c.2681C>T on transcript NM_016333.4 (MANE Select); coding-DNA position 2681, C replaced by T.
Protein change: p.Ser894Phe; replaces serine 894 with phenylalanine.
Molecular consequence: missense variant.
Genome position (GRCh38, 1-based): chr16:2,763,209, C>T. VCF-style: chr16-2763209-C-T. GRCh37 (hg19) VCF-style: chr16-2813210-C-T.
Other names: c.2681C>T (NM_016333.3); short protein forms S894F.
Identifiers: ClinVar variation 2646070 (VCV002646070.24), dbSNP rs750449689, ClinGen allele CA7847679.
Genomic context (GRCh38, chr16:2,763,209, plus strand): 5'-AATCATCACCTGACCCTGAGTTGAAATCTAGGACCCCTTCTAGACATAGCTGCTCAGGGT[C>T]CTCTCCTCCTAGAGTGAAATCTAGCACACCTCCCAGACAGAGCCCATCTAGGTCATCATC-3'
Protein context (NP_057417.3, residues 884-904): RTPSRHSCSG[Ser894Phe]SPPRVKSSTP

ClinVar aggregate classification (germline): Likely benign. Review status: criteria provided, multiple submitters, no conflicts (2 of 4 stars). 2 submissions from 2 submitters: Likely benign (2). Last evaluated 2025-10-22.

Conditions:
Inborn genetic diseases. Identifiers: MedGen C0950123, MeSH D030342.

Allele frequency attached by ClinVar (database versions not stated): ExAC 0.00003; gnomAD exomes 0.00004; TOPMed 0.00004; gnomAD 0.00005.
gnomAD v4.1: 73 of 1,613,952 alleles (0.0045%); highest among the groups gnomAD compares: Admixed American, 0.0067%; no homozygotes.

Submissions (2):

Ambry Genetics
Classification: Likely benign for Inborn genetic diseases. Last evaluated: 2025-10-22. Review status: criteria provided, single submitter. Criteria: Ambry Variant Classification Scheme 2023. Collection method: clinical testing. Allele origin: germline.

CeGaT Center for Human Genetics Tuebingen
Classification: Likely benign. Last evaluated: 2023-10-01. Review status: criteria provided, single submitter. Criteria: CeGaT Center For Human Genetics Tuebingen Variant Classification Criteria Version 2. Collection method: clinical testing. Allele origin: germline. Affected: yes. Observed: 1 variant allele.
Comment: SRRM2: BP4